The following is an entry in ClinVar:

ClinVar aggregate classification (germline): Likely benign. Review status: criteria provided, multiple submitters, no conflicts (2 of 4 stars). 2 submissions from 2 submitters: Likely benign (2). Last evaluated 2026-08-04.

Conditions:
Pheochromocytoma/paraganglioma syndrome 2. Also called: SDHAF2-Related Hereditary Paraganglioma-Pheochromocytoma Syndrome; GLOMUS TUMORS, FAMILIAL, 2; Paragangliomas 2; SDHAF2-Related Hereditary Paraganglioma-Pheochromocytoma Syndrome (Paragangliomas 2). Identifiers: Orphanet 29072, MedGen C1866552, MONDO:0011121, OMIM 601650.
Hereditary pheochromocytoma and paraganglioma. Also called: Hereditary Paraganglioma-Pheochromocytoma Syndromes; Hereditary paragangliomas and pheochromocytomas; Hereditary pheochromocytoma-paraganglioma. Identifiers: Orphanet 29072, MedGen C4274332, MONDO:0017366.

Allele frequency attached by ClinVar (database versions not stated): gnomAD exomes below 0.00001.
gnomAD v4.1: 2 of 1,578,532 alleles (0.00013%); highest among the groups gnomAD compares: Middle Eastern, 0.017%; no homozygotes.

Submissions (2):

Myriad Genetics, Inc.
Classification: Likely benign for Pheochromocytoma/paraganglioma syndrome 2. Last evaluated: 2026-08-04. Review status: criteria provided, single submitter. Criteria: Myriad Autosomal Dominant, Autosomal Recessive and X-Linked Classification Criteria (2023). Collection method: clinical testing. Allele origin: unknown.
Comment: This variant is considered likely benign. This variant is intronic and is not expected to impact mRNA splicing.

Labcorp Genetics (formerly Invitae), Labcorp
Classification: Likely benign for Hereditary pheochromocytoma and paraganglioma. Last evaluated: 2025-09-10. Review status: criteria provided, single submitter. Criteria: Invitae Variant Classification Sherloc (09022015). Collection method: clinical testing. Allele origin: germline.

NM_017841.4(SDHAF2):c.37-20T>C

Gene: SDHAF2 (succinate dehydrogenase complex assembly factor 2; plus strand). Cytogenetic location: 11q12.2.
Variant type: single nucleotide variant.
Coding change: c.37-20T>C on transcript NM_017841.4 (MANE Select); 20 bases into the intron before coding-DNA position 37, T replaced by C.
Molecular consequence: intron variant.
Genome position (GRCh38, 1-based): chr11:61,437,605, T>C. VCF-style: chr11-61437605-T-C. GRCh37 (hg19) VCF-style: chr11-61205077-T-C.
Identifiers: ClinVar variation 2738984 (VCV002738984.4), dbSNP rs1175123908, ClinGen allele CA678946880.
Genomic context (GRCh38, chr11:61,437,605, plus strand): 5'-AGCACCTAGTAAGCATTGAGTAAATGATAGCGATGATAGTCGTCATTATTGTAAAGATGT[T>C]TGTGGTTTGTTCATTTCAGATGCTTGCTCTGTCAAGGCACAGCCTATTGTCTCCTTTGCT-3'